The following is an entry in ClinVar:

NM_000254.3(MTR):c.871C>T (p.Pro291Ser)

Gene: MTR (5-methyltetrahydrofolate-homocysteine methyltransferase; plus strand). Cytogenetic location: 1q43.
Variant type: single nucleotide variant.
Coding change: c.871C>T on transcript NM_000254.3 (MANE Select); coding-DNA position 871, C replaced by T.
Protein change: p.Pro291Ser; replaces proline 291 with serine.
Molecular consequence: missense variant. On other transcripts: 5 prime UTR variant (1).
Genome position (GRCh38, 1-based): chr1:236,825,343, C>T. VCF-style: chr1-236825343-C-T. GRCh37 (hg19) VCF-style: chr1-236988643-C-T.
Other names: c.871C>T, p.Pro291Ser (NM_001291939.1, NM_001410942.1); c.-238C>T (NM_001291940.2); short protein forms P291S.
Identifiers: ClinVar variation 3336182 (VCV003336182.1).

ClinVar aggregate classification (germline): Uncertain significance (1 of 4 stars; one submission).

Submission:

Women's Health and Genetics/Laboratory Corporation of America, LabCorp
Classification: Uncertain significance. Last evaluated: 2024-05-04. Review status: criteria provided, single submitter. Criteria: LabCorp Variant Classification Summary - May 2015. Collection method: clinical testing. Allele origin: germline.
Comment: Variant summary: MTR c.871C>T (p.Pro291Ser) results in a non-conservative amino acid change located in the Homocysteine-binding domain (IPR003726) of the encoded protein sequence. Five of five in-silico tools predict a damaging effect of the variant on protein function. The variant was absent in 251458 control chromosomes. The available data on variant occurrences in the general population are insufficient to allow any conclusion about variant significance. c.871C>T has been reported in the literature in at least one compound heterozygous individual affected with Methylcobalamin deficiency type cblG (Liu_2019). These data do not allow any conclusion about variant significance. To our knowledge, no experimental evidence demonstrating an impact on protein function has been reported. The following publication has been ascertained in the context of this evaluation (PMID: 30651581). No submitters have cited clinical-significance assessments for this variant to ClinVar. Based on the evidence outlined above, the variant was classified as uncertain significance.

Literature cited by the submitters: PubMed 30651581.